The following is an entry in ClinVar:

NM_001005242.3(PKP2):c.1123A>G (p.Thr375Ala)

Gene: PKP2 (plakophilin 2; minus strand). Cytogenetic location: 12p11.21.
Variant type: single nucleotide variant.
Coding change: c.1123A>G on transcript NM_001005242.3 (MANE Select); coding-DNA position 1123, A replaced by G.
Protein change: p.Thr375Ala; replaces threonine 375 with alanine.
Molecular consequence: missense variant.
Genome position (GRCh38, 1-based): chr12:32,868,974, T>C on the plus strand (A>G on the coding strand, the complement: PKP2 is on the minus strand). VCF-style: chr12-32868974-T-C. GRCh37 (hg19) VCF-style: chr12-33021908-T-C.
Other names: c.1123A>G, p.Thr375Ala (NM_001407155.1, NM_001407156.1, NM_001407157.1 and 2 more transcripts); c.796A>G, p.Thr266Ala (NM_001407158.1, NM_001407159.1, NM_001407160.1 and 1 more transcripts); short protein forms T266A, T375A.
Identifiers: ClinVar variation 2449723 (VCV002449723.3), dbSNP rs2137919547, ClinGen allele CA384359295.

ClinVar aggregate classification (germline): Uncertain significance. Review status: criteria provided, multiple submitters, no conflicts (2 of 4 stars). 2 submissions from 2 submitters: Uncertain significance (2). Last evaluated 2024-02-12.

Conditions:
Cardiovascular phenotype. Identifiers: MedGen CN230736.

Submissions (2):

Blueprint Genetics
Classification: Uncertain significance. Last evaluated: 2024-02-12. Review status: criteria provided, single submitter. Criteria: ACMG Guidelines, 2015. Collection method: clinical testing. Allele origin: germline.

Ambry Genetics
Classification: Uncertain significance for Cardiovascular phenotype. Last evaluated: 2023-01-05. Review status: criteria provided, single submitter. Criteria: Ambry Variant Classification Scheme 2023. Collection method: clinical testing. Allele origin: germline.
Comment: The p.T375A variant (also known as c.1123A>G), located in coding exon 4 of the PKP2 gene, results from an A to G substitution at nucleotide position 1123. The threonine at codon 375 is replaced by alanine, an amino acid with similar properties. This amino acid position is conserved. In addition, this alteration is predicted to be tolerated by in silico analysis. Since supporting evidence is limited at this time, the clinical significance of this alteration remains unclear.